The following is an entry in ClinVar:

ClinVar aggregate classification (germline): Uncertain significance (1 of 4 stars; one submission).

Conditions:
Nemaline myopathy 10 (NEM10). Identifiers: MedGen C4015360, MONDO:0014513, OMIM 616165.

Allele frequency attached by ClinVar (database versions not stated): gnomAD exomes below 0.00001.

Submission:

Labcorp Genetics (formerly Invitae), Labcorp
Classification: Uncertain significance for Nemaline myopathy 10. Last evaluated: 2023-12-07. Review status: criteria provided, single submitter. Criteria: Invitae Variant Classification Sherloc (09022015). Collection method: clinical testing. Allele origin: germline.
Comment: This sequence change replaces glutamic acid, which is acidic and polar, with aspartic acid, which is acidic and polar, at codon 158 of the LMOD3 protein (p.Glu158Asp). This variant is not present in population databases (gnomAD no frequency). This variant has not been reported in the literature in individuals affected with LMOD3-related conditions. ClinVar contains an entry for this variant (Variation ID: 1977642). Algorithms developed to predict the effect of missense changes on protein structure and function output the following: SIFT: "Not Available"; PolyPhen-2: "Benign"; Align-GVGD: "Not Available". The aspartic acid amino acid residue is found in multiple mammalian species, which suggests that this missense change does not adversely affect protein function. In summary, the available evidence is currently insufficient to determine the role of this variant in disease. Therefore, it has been classified as a Variant of Uncertain Significance.

NM_198271.5(LMOD3):c.474A>T (p.Glu158Asp)

Gene: LMOD3 (leiomodin 3; minus strand). Cytogenetic location: 3p14.1.
Variant type: single nucleotide variant.
Coding change: c.474A>T on transcript NM_198271.5 (MANE Select); coding-DNA position 474, A replaced by T.
Protein change: p.Glu158Asp; replaces glutamic acid 158 with aspartic acid.
Molecular consequence: missense variant.
Genome position (GRCh38, 1-based): chr3:69,119,881, T>A on the plus strand (A>T on the coding strand, the complement: LMOD3 is on the minus strand). VCF-style: chr3-69119881-T-A. GRCh37 (hg19) VCF-style: chr3-69169032-T-A.
Other names: c.474A>T, p.Glu158Asp (NM_001304418.3); short protein forms E158D.
Identifiers: ClinVar variation 1977642 (VCV001977642.5), dbSNP rs2471249394, ClinGen allele CA353476473.